The following is an entry in ClinVar:

ClinVar aggregate classification (germline): Uncertain significance (1 of 4 stars; one submission).

Conditions:
Fanconi anemia complementation group O. Also called: RAD51C-Related Fanconi Anemia. Identifiers: Orphanet 84, MedGen C3150653, MONDO:0013248, OMIM 613390.

Submission:

Labcorp Genetics (formerly Invitae), Labcorp
Classification: Uncertain significance for Fanconi anemia complementation group O. Last evaluated: 2023-11-13. Review status: criteria provided, single submitter. Criteria: Invitae Variant Classification Sherloc (09022015). Collection method: clinical testing. Allele origin: germline.
Comment: This sequence change replaces histidine, which is basic and polar, with leucine, which is neutral and non-polar, at codon 207 of the RAD51C protein (p.His207Leu). This variant is not present in population databases (gnomAD no frequency). This variant has not been reported in the literature in individuals affected with RAD51C-related conditions. Advanced modeling of protein sequence and biophysical properties (such as structural, functional, and spatial information, amino acid conservation, physicochemical variation, residue mobility, and thermodynamic stability) performed at Invitae indicates that this missense variant is not expected to disrupt RAD51C protein function with a negative predictive value of 80%. In summary, the available evidence is currently insufficient to determine the role of this variant in disease. Therefore, it has been classified as a Variant of Uncertain Significance.

NM_058216.3(RAD51C):c.620A>T (p.His207Leu)

Genes: RAD51C (RAD51 paralog C; plus strand), LOC129390903 (MPRA-validated peak2919 silencer; plus strand). Cytogenetic location: 17q22.
Variant type: single nucleotide variant.
Coding change: c.620A>T on transcript NM_058216.3 (MANE Select); coding-DNA position 620, A replaced by T.
Protein change: p.His207Leu; replaces histidine 207 with leucine.
Molecular consequence: missense variant. On other transcripts: non-coding transcript variant (1).
Genome position (GRCh38, 1-based): chr17:58,703,244, A>T. VCF-style: chr17-58703244-A-T. GRCh37 (hg19) VCF-style: chr17-56780605-A-T.
Other names: c.*48A>T (NM_058217.1); short protein forms H207L.
Identifiers: ClinVar variation 2695443 (VCV002695443.3), dbSNP rs587781921, ClinGen allele CA400349388.